The following is an entry in ClinVar:

ClinVar aggregate classification (germline): Conflicting classifications of pathogenicity. Review status: criteria provided, conflicting classifications (1 of 4 stars). 2 submissions from 2 submitters: Uncertain significance (1); Likely benign (1). Last evaluated 2025-12-31.

Conditions:
Dilated cardiomyopathy 1DD (CMD1DD). Identifiers: Orphanet 154, MedGen C2750995, MONDO:0013168, OMIM 613172.

Allele frequency attached by ClinVar (database versions not stated): TOPMed 0.00001; gnomAD 0.00002.
gnomAD v4.1: 3 of 1,550,648 alleles (0.00019%); highest among the groups gnomAD compares: African/African-American, 0.0027%; no homozygotes.

Submissions (2):

Labcorp Genetics (formerly Invitae), Labcorp
Classification: Likely benign for Dilated cardiomyopathy 1DD. Last evaluated: 2025-12-31. Review status: criteria provided, single submitter. Criteria: Invitae Variant Classification Sherloc (09022015). Collection method: clinical testing. Allele origin: germline.

GeneDx
Classification: Uncertain significance. Last evaluated: 2017-07-11. Review status: criteria provided, single submitter. Criteria: GeneDx Variant Classification (06012015). Collection method: clinical testing. Allele origin: germline. Affected: yes.
Comment: A variant of uncertain significance has been identified in the RBM20 gene. The G858S variant has not been published as pathogenic or been reported as benign to our knowledge. This variant is not observed in large population cohorts (Lek et al., 2016; 1000 Genomes Consortium et al., 2015; Exome Variant Server). The G858S variant is a non-conservative amino acid substitution, which is likely to impact secondary protein structure as these residues differ in polarity, charge, size and/or other properties. However, this substitution occurs at a position that is not conserved across species and where serine (S) is present as the wild type in multiple mammalian species. Finally, in silico analysis predicts this variant likely does not alter the protein structure/function.

NM_001134363.3(RBM20):c.2572G>A (p.Gly858Ser)

Gene: RBM20 (RNA binding motif protein 20; plus strand). Cytogenetic location: 10q25.2.
Variant type: single nucleotide variant.
Coding change: c.2572G>A on transcript NM_001134363.3 (MANE Select); coding-DNA position 2572, G replaced by A.
Protein change: p.Gly858Ser; replaces glycine 858 with serine.
Molecular consequence: missense variant.
Genome position (GRCh38, 1-based): chr10:110,820,093, G>A. VCF-style: chr10-110820093-G-A. GRCh37 (hg19) VCF-style: chr10-112579851-G-A.
Other names: c.2572G>A (LRG_382t1); short protein forms G858S.
Identifiers: ClinVar variation 450422 (VCV000450422.10), dbSNP rs1361625543, ClinGen allele CA378376733.